The following is an entry in ClinVar:

ClinVar aggregate classification (germline): Conflicting classifications of pathogenicity. Review status: criteria provided, conflicting classifications (1 of 4 stars). 3 submissions from 3 submitters: Likely pathogenic (2); Uncertain significance (1). Last evaluated 2026-06-03.

Conditions:
Congenital hyperammonemia, type I. Also called: Carbamoyl phosphate synthetase 1 deficiency; Hyperammonemia due to carbamoyl phosphate synthetase 1 deficiency; CPS 1 deficiency; Carbamyl phosphate synthetase (CPS) deficiency; Carbamoyl phosphate synthetase I deficiency disease; Carbamoyl-phosphate synthase I deficiency. Identifiers: Orphanet 147, MedGen C4082171, MONDO:0009376, OMIM 237300.

Allele frequency attached by ClinVar (database versions not stated): gnomAD exomes below 0.00001.
gnomAD v4.1: 5 of 1,604,582 alleles (0.00031%); highest among the groups gnomAD compares: African/African-American, 0.0013%; no homozygotes.

Submissions (3):

Myriad Genetics, Inc.
Classification: Uncertain significance for Congenital hyperammonemia, type I. Last evaluated: 2026-06-03. Review status: criteria provided, single submitter. Criteria: Myriad Autosomal Dominant, Autosomal Recessive and X-Linked Classification Criteria (2023). Collection method: clinical testing. Allele origin: unknown.
Comment: NM_001875.4(CPS1):c.1165-2A>G is a variant in a canonical splice site classified as a variant of uncertain significance in the context of carbamoylphosphate synthetase I deficiency. c.1165-2A>G has not been observed in cases with relevant disease. Relevant functional assessments of this variant are not available in the literature. c.1165-2A>G has been observed in referenced population frequency databases. In summary, there is insufficient evidence to classify NM_001875.4(CPS1):c.1165-2A>G as pathogenic or benign. Please note: this variant was assessed in the context of healthy population screening.

Natera, Inc.
Classification: Likely pathogenic for Carbamoyl-phosphate synthase I deficiency. Last evaluated: 2024-09-11. Review status: criteria provided, single submitter. Criteria: Natera Variant Classification Schema (03/2026). Collection method: clinical testing. Allele origin: germline.
Comment: The c.1165-2A>G variant in CPS1 is a canonical splice acceptor site variant predicted to affect pre-mRNA splicing, which may result in an abnormal transcript and altered protein product. This variant is expected to result in nonsense mediated decay, truncation, or a dysfunctional protein product. This variant is rare in the general population with a frequency below the threshold expected for the associated phenotype(s). Given the available evidence, this variant is classified as Likely Pathogenic.

Labcorp Genetics (formerly Invitae), Labcorp
Classification: Likely pathogenic for Congenital hyperammonemia, type I. Last evaluated: 2024-01-13. Review status: criteria provided, single submitter. Criteria: Invitae Variant Classification Sherloc (09022015). Collection method: clinical testing. Allele origin: germline.
Comment: This sequence change affects an acceptor splice site in intron 11 of the CPS1 gene. It is expected to disrupt RNA splicing. Variants that disrupt the donor or acceptor splice site typically lead to a loss of protein function (PMID: 16199547), and loss-of-function variants in CPS1 are known to be pathogenic (PMID: 21120950). This variant is present in population databases (no rsID available, gnomAD 0.0009%). This variant has not been reported in the literature in individuals affected with CPS1-related conditions. ClinVar contains an entry for this variant (Variation ID: 1493365). Algorithms developed to predict the effect of sequence changes on RNA splicing suggest that this variant may disrupt the consensus splice site. In summary, the currently available evidence indicates that the variant is pathogenic, but additional data are needed to prove that conclusively. Therefore, this variant has been classified as Likely Pathogenic.

Literature cited by the submitters: PubMed 16199547 (cited by Labcorp Genetics (formerly Invitae), Labcorp); PubMed 21120950 (cited by Labcorp Genetics (formerly Invitae), Labcorp).

NM_001875.5(CPS1):c.1165-2A>G

Gene: CPS1 (carbamoyl-phosphate synthase 1; plus strand). Cytogenetic location: 2q34.
Variant type: single nucleotide variant.
Coding change: c.1165-2A>G on transcript NM_001875.5 (MANE Select); the canonical splice acceptor site of the intron before coding-DNA position 1165, A replaced by G.
Molecular consequence: splice acceptor variant.
Genome position (GRCh38, 1-based): chr2:210,594,506, A>G. VCF-style: chr2-210594506-A-G. GRCh37 (hg19) VCF-style: chr2-211459230-A-G.
Other names: c.1165-2A>G (NM_001875.4, NM_001369257.1, NM_001122633.3); c.1198-2A>G (NM_001369256.1).
Identifiers: ClinVar variation 1493365 (VCV001493365.10), dbSNP rs1305369403, ClinGen allele CA350431992.